The following is an entry in ClinVar:

ClinVar aggregate classification (germline): Conflicting classifications of pathogenicity. Review status: criteria provided, conflicting classifications (1 of 4 stars). 6 submissions from 3 submitters: Uncertain significance (2); Likely benign (4). Last evaluated 2025-11-03.

Conditions:
Retinal macular dystrophy type 2 (MCDR2). Also called: Bull's eye macular dystrophy. Identifiers: Orphanet 319640, MedGen C4749334, MONDO:0011957, OMIM 608051.
Cone-rod dystrophy 12 (CORD12). Identifiers: Orphanet 1872, MedGen C2675210, MONDO:0012983, OMIM 612657.
Stargardt disease 4 (STGD4). Identifiers: Orphanet 827, MedGen C1863534, MONDO:0011370, OMIM 603786.
Retinitis pigmentosa (RP). Identifiers: Orphanet 791, MedGen C0035334, MeSH D012174, MONDO:0019200, OMIM 268000. Inheritance: Autosomal dominant, autosomal recessive and X linked inheritance.
Stargardt disease (FFM). Also called: Stargardt's disease; Fundus flavimaculatus. Identifiers: Orphanet 827, MedGen C0271093, MONDO:0019353.

Allele frequency attached by ClinVar (database versions not stated): gnomAD 0.00034 and 0.00036; gnomAD exomes 0.00034; ExAC 0.00036; TOPMed 0.00038; ESP Exome Variant Server 0.00093.
gnomAD v4.1: 1,317 of 1,611,252 alleles (0.082%); highest among the groups gnomAD compares: Non-Finnish European, 0.11%; 1 homozygote.

Submissions (6):

Labcorp Genetics (formerly Invitae), Labcorp
Classification: Likely benign. Last evaluated: 2025-11-03. Review status: criteria provided, single submitter. Criteria: Invitae Variant Classification Sherloc (09022015). Collection method: clinical testing. Allele origin: germline.

Blueprint Genetics
Classification: Likely benign. Last evaluated: 2024-10-31. Review status: criteria provided, single submitter. Criteria: ACMG Guidelines, 2015. Collection method: clinical testing. Allele origin: germline.

Illumina Laboratory Services, Illumina
Classification: Likely benign for Stargardt disease 4. Last evaluated: 2018-01-13. Review status: criteria provided, single submitter. Criteria: ICSL Variant Classification Criteria 13 December 2019. Collection method: clinical testing. Allele origin: germline.
Comment: This variant was observed in the ICSL laboratory as part of a predisposition screen in an ostensibly healthy population. It had not been previously curated by ICSL or reported in the Human Gene Mutation Database (HGMD: prior to June 1st, 2018), and was therefore a candidate for classification through an automated scoring system. Utilizing variant allele frequency, disease prevalence and penetrance estimates, and inheritance mode, an automated score was calculated to assess if this variant is too frequent to cause the disease. Based on the score and internal cut-off values, a variant classified as likely benign is not then subjected to further curation. The score for this variant resulted in a classification of likely benign for this disease.

Illumina Laboratory Services, Illumina
Classification: Uncertain significance for Retinal macular dystrophy type 2. Last evaluated: 2018-01-13. Review status: criteria provided, single submitter. Criteria: ICSL Variant Classification Criteria 13 December 2019. Collection method: clinical testing. Allele origin: germline.

Illumina Laboratory Services, Illumina
Classification: Likely benign for Cone-rod dystrophy 12. Last evaluated: 2018-01-13. Review status: criteria provided, single submitter. Criteria: ICSL Variant Classification Criteria 13 December 2019. Collection method: clinical testing. Allele origin: germline.
Comment: the same text as in the submission from Illumina Laboratory Services, Illumina above.

Illumina Laboratory Services, Illumina
Classification: Uncertain significance for Retinitis pigmentosa. Last evaluated: 2018-01-13. Review status: criteria provided, single submitter. Criteria: ICSL Variant Classification Criteria 13 December 2019. Collection method: clinical testing. Allele origin: germline.

NM_006017.3(PROM1):c.2112C>T (p.Arg704=)

Gene: PROM1 (prominin 1; minus strand). Cytogenetic location: 4p15.32.
Variant type: single nucleotide variant.
Coding change: c.2112C>T on transcript NM_006017.3 (MANE Select); coding-DNA position 2112, C replaced by T.
Protein change: p.Arg704=; no amino-acid change (arginine 704 retained).
Molecular consequence: synonymous variant.
Genome position (GRCh38, 1-based): chr4:15,987,681, G>A on the plus strand (C>T on the coding strand, the complement: PROM1 is on the minus strand). VCF-style: chr4-15987681-G-A. GRCh37 (hg19) VCF-style: chr4-15989304-G-A.
Other names: c.2085C>T, p.Arg695= (NM_001145847.2, NM_001145848.2, NM_001145851.2 and 4 more transcripts); c.2112C>T, p.Arg704= (NM_001145849.2, NM_001145850.2).
Identifiers: ClinVar variation 684463 (VCV000684463.18), dbSNP rs375358457, ClinGen allele CA2866506.